The following is an entry in ClinVar:

ClinVar aggregate classification (germline): Likely benign (1 of 4 stars; one submission).

Allele frequency attached by ClinVar (database versions not stated): gnomAD 0.00001 and 0.00003; gnomAD exomes 0.00003 and 0.00007; TOPMed 0.00004; ExAC 0.00005.
gnomAD v4.1: 25 of 1,596,886 alleles (0.0016%); highest among the groups gnomAD compares: Admixed American, 0.042%; no homozygotes.

Submission:

GeneDx
Classification: Likely benign. Last evaluated: 2013-04-25. Review status: criteria provided, single submitter. Criteria: GeneDx Variant Classification (06012015). Collection method: clinical testing. Allele origin: germline. Affected: yes.
Comment: This variant is considered likely benign or benign based on one or more of the following criteria: it is a conservative change, it occurs at a poorly conserved position in the protein, it is predicted to be benign by multiple in silico algorithms, and/or has population frequency not consistent with disease.

NM_000702.4(ATP1A2):c.-14C>G

Gene: ATP1A2 (ATPase Na+/K+ transporting subunit alpha 2; plus strand). Cytogenetic location: 1q23.2.
Variant type: single nucleotide variant.
Coding change: c.-14C>G on transcript NM_000702.4 (MANE Select); 14 bases upstream of the start codon, C replaced by G.
Molecular consequence: 5 prime UTR variant.
Genome position (GRCh38, 1-based): chr1:160,115,848, C>G. VCF-style: chr1-160115848-C-G. GRCh37 (hg19) VCF-style: chr1-160085638-C-G.
Identifiers: ClinVar variation 204882 (VCV000204882.1), dbSNP rs756960901, ClinGen allele CA313267.